The following is an entry in ClinVar:

ClinVar aggregate classification (germline): Uncertain significance (1 of 4 stars; one submission).

Submission:

Labcorp Genetics (formerly Invitae), Labcorp
Classification: Uncertain significance. Last evaluated: 2023-11-13. Review status: criteria provided, single submitter. Criteria: Invitae Variant Classification Sherloc (09022015). Collection method: clinical testing. Allele origin: germline.
Comment: This sequence change replaces asparagine, which is neutral and polar, with lysine, which is basic and polar, at codon 501 of the IFT88 protein (p.Asn501Lys). This variant is not present in population databases (gnomAD no frequency). This variant has not been reported in the literature in individuals affected with IFT88-related conditions. An algorithm developed to predict the effect of missense changes on protein structure and function (PolyPhen-2) suggests that this variant is likely to be disruptive. In summary, the available evidence is currently insufficient to determine the role of this variant in disease. Therefore, it has been classified as a Variant of Uncertain Significance.

NM_006531.5(IFT88):c.1476T>G (p.Asn492Lys)

Gene: IFT88 (intraflagellar transport 88; plus strand). Cytogenetic location: 13q12.11.
Variant type: single nucleotide variant.
Coding change: c.1476T>G on transcript NM_006531.5 (MANE Select); coding-DNA position 1476, T replaced by G.
Protein change: p.Asn492Lys; replaces asparagine 492 with lysine.
Molecular consequence: missense variant. On other transcripts: non-coding transcript variant (4).
Genome position (GRCh38, 1-based): chr13:20,638,421, T>G. VCF-style: chr13-20638421-T-G. GRCh37 (hg19) VCF-style: chr13-21212560-T-G.
Other names: c.1419T>G, p.Asn473Lys (NM_001318491.2, NM_001353575.2); c.1503T>G, p.Asn501Lys (NM_001318493.2, NM_001353565.2, NM_001353566.2 and 2 more transcripts); c.1476T>G, p.Asn492Lys (NM_001353568.2, NM_001353572.2); c.1401T>G, p.Asn467Lys (NM_001353569.2, NM_001353570.2, NM_001353576.2 and 1 more transcripts); c.1374T>G, p.Asn458Lys (NM_001353571.2, NM_001353578.2); c.1332T>G, p.Asn444Lys (NM_001353573.2); c.1317T>G, p.Asn439Lys (NM_001353574.2); c.843T>G, p.Asn281Lys (NM_001353579.2); short protein forms N281K, N439K, N444K, N458K, N501K, N467K, N473K, N492K.
Identifiers: ClinVar variation 2693325 (VCV002693325.3), dbSNP rs2548527698, ClinGen allele CA387473364.
Genomic context (GRCh38, chr13:20,638,421, plus strand): 5'-TGCAGATATAGCTGTGAACTCTGATAGATATAATCCAGCAGCTCTTACTAATAAAGGGAA[T>G]ACAGTTTTTGCAAATGGTGATTATGAGAAGGCCGCTGAATTCTATAAAGAGGCTCTAAGA-3'
Protein context (NP_006522.2, residues 482-502): YNPAALTNKG[Asn492Lys]TVFANGDYEK